The following is an entry in ClinVar:

ClinVar aggregate classification (germline): Likely benign. Review status: criteria provided, multiple submitters, no conflicts (2 of 4 stars). 5 submissions from 5 submitters: Likely benign (5). Last evaluated 2026-02-03.

Conditions:
Inborn genetic diseases. Identifiers: MedGen C0950123, MeSH D030342.
X-linked distal spinal muscular atrophy type 3. Also called: SPINAL MUSCULAR ATROPHY, DISTAL, X-LINKED RECESSIVE; ATP7A-Related Distal Motor Neuropathy; NEURONOPATHY, DISTAL HEREDITARY MOTOR, X-LINKED; NEUROPATHY, DISTAL HEREDITARY MOTOR, X-LINKED. Identifiers: Orphanet 139557, MedGen C1845359, MONDO:0010338, OMIM 300489.
Cutis laxa, X-linked (OHS). Also called: EDS IX; Occipital horn syndrome. Identifiers: Orphanet 198, MedGen C0268353, MONDO:0010572, OMIM 304150.
Menkes kinky-hair syndrome (MNK). Also called: Menkes Disease; Classic Menkes Disease; Copper transport disease. Identifiers: Orphanet 565, MedGen C0022716, MONDO:0010651, OMIM 309400.

Allele frequency attached by ClinVar (database versions not stated): gnomAD 0.00006 and 0.00008; TOPMed 0.00007; ExAC 0.00008; gnomAD exomes 0.00009 and 0.00016.
gnomAD v4.1: 182 of 1,210,244 alleles (0.015%); highest among the groups gnomAD compares: Non-Finnish European, 0.019%; no homozygotes.

Submissions (5):

Labcorp Genetics (formerly Invitae), Labcorp
Classification: Likely benign for X-linked distal spinal muscular atrophy type 3; Cutis laxa, X-linked; Menkes kinky-hair syndrome. Last evaluated: 2026-02-03. Review status: criteria provided, single submitter. Criteria: Invitae Variant Classification Sherloc (09022015). Collection method: clinical testing. Allele origin: germline.

CeGaT Center for Human Genetics Tuebingen
Classification: Likely benign. Last evaluated: 2024-11-01. Review status: criteria provided, single submitter. Criteria: CeGaT Center For Human Genetics Tuebingen Variant Classification Criteria Version 2. Collection method: clinical testing. Allele origin: germline. Affected: yes. Observed: 1 variant allele.
Comment: ATP7A: BP4, BS2

ARUP Laboratories, Molecular Genetics and Genomics, ARUP Laboratories
Classification: Likely benign. Last evaluated: 2024-10-25. Review status: criteria provided, single submitter. Criteria: ARUP Molecular Germline Variant Investigation Process 2024. Collection method: clinical testing. Allele origin: germline.

Ambry Genetics
Classification: Likely benign for Inborn genetic diseases. Last evaluated: 2022-07-18. Review status: criteria provided, single submitter. Criteria: Ambry Variant Classification Scheme 2023. Collection method: clinical testing. Allele origin: germline.

GeneDx
Classification: Likely benign. Last evaluated: 2018-05-04. Review status: criteria provided, single submitter. Criteria: GeneDx Variant Classification Process June 2021. Collection method: clinical testing. Allele origin: germline. Affected: yes.

NM_000052.7(ATP7A):c.922A>G (p.Ile308Val)

Gene: ATP7A (ATPase copper transporting alpha; plus strand). Cytogenetic location: Xq21.1.
Variant type: single nucleotide variant.
Coding change: c.922A>G on transcript NM_000052.7 (MANE Select); coding-DNA position 922, A replaced by G.
Protein change: p.Ile308Val; replaces isoleucine 308 with valine.
Molecular consequence: missense variant.
Genome position (GRCh38, 1-based): chrX:77,989,544, A>G. VCF-style: chrX-77989544-A-G. GRCh37 (hg19) VCF-style: chrX-77245040-A-G.
Other names: c.922A>G, p.Ile308Val (NM_001282224.2); short protein forms I308V.
Identifiers: ClinVar variation 243111 (VCV000243111.31), dbSNP rs782351352, ClinGen allele CA10458973.